The following is an entry in ClinVar:

NM_032634.4(PIGO):c.204dup (p.Arg69fs)

Gene: PIGO (phosphatidylinositol glycan anchor biosynthesis class O; minus strand). Cytogenetic location: 9p13.3.
Variant type: Duplication.
Coding change: c.204dup on transcript NM_032634.4 (MANE Select); coding-DNA position 204, one base duplicated (G; older notation c.204dupG).
Protein change: p.Arg69fs; shifts the reading frame from arginine 69.
Molecular consequence: frameshift variant.
Genome position (GRCh38, 1-based): chr9:35,095,362, C duplicated on the plus strand (G on the coding strand, the reverse complement: PIGO is on the minus strand). VCF-style (leftmost placement, unchanged base first): chr9-35095361-G-GC. GRCh37 (hg19) VCF-style: chr9-35095358-G-GC.
Other names: c.204dupG (NM_032634.3); c.204dup, p.Arg69fs (NM_001201484.2, NM_152850.4); short protein forms R69fs.
Identifiers: ClinVar variation 574401 (VCV000574401.7), dbSNP rs751086453, ClinGen allele CA5040993.

ClinVar aggregate classification (germline): Pathogenic (1 of 4 stars; one submission).

Conditions:
Hyperphosphatasia with impaired intellectual development syndrome 2. Also called: Hyperphosphatasia with intellectual disability syndrome 2; GLYCOSYLPHOSPHATIDYLINOSITOL BIOSYNTHESIS DEFECT 6. Identifiers: Orphanet 247262, MedGen C3553637, MONDO:0013882, OMIM 614749.

Allele frequency attached by ClinVar (database versions not stated): ExAC 0.00001; gnomAD exomes below 0.00001.

Submission:

Labcorp Genetics (formerly Invitae), Labcorp
Classification: Pathogenic for Hyperphosphatasia with impaired intellectual development syndrome 2. Last evaluated: 2018-09-18. Review status: criteria provided, single submitter. Criteria: Invitae Variant Classification Sherloc (09022015). Collection method: clinical testing. Allele origin: germline.
Comment: For these reasons, this variant has been classified as Pathogenic. Loss-of-function variants in PIGO are known to be pathogenic (PMID: 22683086, 24417746). This variant has not been reported in the literature in individuals with PIGO-related disease. This variant is present in population databases (rs751086453, ExAC 0.001%). This sequence change creates a premature translational stop signal (p.Arg69Alafs*13) in the PIGO gene. It is expected to result in an absent or disrupted protein product.

Literature cited by the submitters: PubMed 22683086; PubMed 24417746.